The following is an entry in ClinVar:

NM_001164586.2(IGFN1):c.9682G>A (p.Gly3228Ser)

Gene: IGFN1 (immunoglobulin like and fibronectin type III domain containing 1; plus strand). Cytogenetic location: 1q32.1.
Variant type: single nucleotide variant.
Coding change: c.9682G>A on transcript NM_001164586.2 (MANE Select); coding-DNA position 9682, G replaced by A.
Protein change: p.Gly3228Ser; replaces glycine 3228 with serine.
Molecular consequence: missense variant.
Genome position (GRCh38, 1-based): chr1:201,217,373, G>A. VCF-style: chr1-201217373-G-A. GRCh37 (hg19) VCF-style: chr1-201186501-G-A.
Other names: c.2311G>A, p.Gly771Ser (NM_001367841.1); short protein forms G3228S, G771S.
Identifiers: ClinVar variation 2639771 (VCV002639771.24), dbSNP rs143014998, ClinGen allele CA1323360.

ClinVar aggregate classification (germline): Likely benign (1 of 4 stars; one submission).

Allele frequency attached by ClinVar (database versions not stated): 1000 Genomes Project 30x 0.00156; 1000 Genomes Project 0.00180; TOPMed 0.00225; gnomAD 0.00263; ESP Exome Variant Server 0.00300; ExAC 0.00310; gnomAD exomes 0.00404.
gnomAD v4.1: 6,285 of 1,614,146 alleles (0.39%); highest among the groups gnomAD compares: Non-Finnish European, 0.45%; 19 homozygotes.

Submission:

CeGaT Center for Human Genetics Tuebingen
Classification: Likely benign. Last evaluated: 2023-05-01. Review status: criteria provided, single submitter. Criteria: CeGaT Center For Human Genetics Tuebingen Variant Classification Criteria Version 2. Collection method: clinical testing. Allele origin: germline. Affected: yes. Observed: 1 variant allele.
Comment: IGFN1: BP4, BS2